The following is an entry in ClinVar:

NM_032638.5(GATA2):c.1084_1095del (p.Arg362_Asn365del)

Gene: GATA2 (GATA binding protein 2; minus strand). Cytogenetic location: 3q21.3.
Variant type: Deletion.
Coding change: c.1084_1095del on transcript NM_032638.5 (MANE Select); coding-DNA positions 1084 to 1095, 12 bases deleted (CGAAACGCCAAC).
Protein change: p.Arg362_Asn365del.
Molecular consequence: inframe deletion.
Genome position (GRCh38, 1-based): chr3:128,481,867-128,481,878, GTTGGCGTTTCG deleted on the plus strand (CGAAACGCCAAC on the coding strand, the reverse complement: GATA2 is on the minus strand); deleting any 12 consecutive bases within chr3:128,481,867-128,481,879 gives the same sequence; the c. name uses the placement nearest the transcript's 3' end. VCF-style (leftmost placement, unchanged base first): chr3-128481866-CGTTGGCGTTTCG-C. GRCh37 (hg19) VCF-style: chr3-128200709-CGTTGGCGTTTCG-C.
Other names: c.1084_1095del, p.Arg362_Asn365del (NM_001145661.2); c.1042_1053del, p.Arg348_Asn351del (NM_001145662.1).
Identifiers: ClinVar variation 29713 (VCV000029713.2), dbSNP rs869320734, ClinGen allele CA358689.
Genomic context (GRCh38, chr3:128,481,866, plus strand): 5'-GGGGCGCACTCACATTGTGCAGCTTGTAGTAGAGGCCACAGGCGTTGCAGACAGGGTCCC[CGTTGGCGTTTCG>C]GCGCCATAAGGTGGTGGTTGTCGTCTGACAATTTGCACAACAGGTGCCGGCTCTTCTGGC-3'

ClinVar aggregate classification (germline): Likely pathogenic. Review status: criteria provided, single submitter (1 of 4 stars). 2 submissions from 2 submitters: Likely pathogenic (1). 1 of the submissions does not count toward it. Last evaluated 2021-07-06.

Conditions:
GATA2 deficiency with susceptibility to MDS/AML. Identifiers: MedGen CN300066, MONDO:0042982.
Deafness-lymphedema-leukemia syndrome. Also called: Lymphedema, primary, with myelodysplasia; Emberger syndrome. Identifiers: Orphanet 3226, MedGen C3279664, MONDO:0013540, OMIM 614038.
Monocytopenia with susceptibility to infections. Also called: IMMUNODEFICIENCY 21; Dendritic cell, monocyte, B lymphocyte, and natural killer lymphocyte deficiency; GATA2 DEFICIENCY; MONOCYTOPENIA AND MYCOBACTERIAL INFECTION SYNDROME; MONOCYTOPENIA WITH SUSCEPTIBILITY TO MYCOBACTERIAL, FUNGAL, AND PAPILLOMAVIRUS INFECTIONS AND MYELODYSPLASIA; COMBINED IMMUNODEFICIENCY WITH SUSCEPTIBILITY TO MYCOBACTERIAL, VIRAL, AND FUNGAL INFECTIONS. Identifiers: Orphanet 228423, MedGen C3280030, MONDO:0013607, OMIM 614172.

Submissions (2):

Molecular Pathology Research Laboratory, SA Pathology
Classification: Likely pathogenic for GATA2 deficiency with susceptibility to MDS/AML; Deafness-lymphedema-leukemia syndrome. Last evaluated: 2021-07-06. Review status: criteria provided, single submitter. Criteria: ACMG Guidelines, 2015. Collection method: curation. Allele origin: unknown. Inheritance: Autosomal dominant inheritance. Affected: yes. Observed: 1 variant allele.
Comment: PS4_Supporting, PM2, PM4_Strong

OMIM
Classification: Pathogenic for IMMUNODEFICIENCY 21. Last evaluated: 2011-09-08. Review status: no assertion criteria provided. Collection method: literature only. Allele origin: germline. Not counted in ClinVar's aggregate classification.

Literature cited by the submitters: PubMed 24227816 (cited by Molecular Pathology Research Laboratory, SA Pathology); PubMed 25359990 (cited by Molecular Pathology Research Laboratory, SA Pathology); PubMed 23365458 (cited by Molecular Pathology Research Laboratory, SA Pathology); PubMed 20040766 (cited by Molecular Pathology Research Laboratory, SA Pathology and OMIM); PubMed 21670465 (cited by Molecular Pathology Research Laboratory, SA Pathology and OMIM); PubMed 24077845 (cited by Molecular Pathology Research Laboratory, SA Pathology).